The following is an entry in ClinVar:

NM_000322.5(PRPH2):c.425G>A (p.Arg142Gln)

Gene: PRPH2 (peripherin 2; minus strand). Cytogenetic location: 6p21.1.
Variant type: single nucleotide variant.
Coding change: c.425G>A on transcript NM_000322.5 (MANE Select); coding-DNA position 425, G replaced by A.
Protein change: p.Arg142Gln; replaces arginine 142 with glutamine.
Molecular consequence: missense variant.
Genome position (GRCh38, 1-based): chr6:42,721,910, C>T on the plus strand (G>A on the coding strand, the complement: PRPH2 is on the minus strand). VCF-style: chr6-42721910-C-T. GRCh37 (hg19) VCF-style: chr6-42689648-C-T.
Other names: short protein forms R142Q.
Identifiers: ClinVar variation 418424 (VCV000418424.16), dbSNP rs554945964, ClinGen allele CA3808615.

ClinVar aggregate classification (germline): Conflicting classifications of pathogenicity. Review status: criteria provided, conflicting classifications (1 of 4 stars). 6 submissions from 6 submitters: Likely pathogenic (3); Uncertain significance (2). 1 of the submissions does not count toward it. Last evaluated 2026-03-20.

Conditions:
PRPH2-related disorder. Also called: PRPH2-related disorders; PRPH2-related condition. Identifiers: MedGen CN239395.
Stargardt disease (FFM). Also called: Stargardt's disease; Fundus flavimaculatus. Identifiers: Orphanet 827, MedGen C0271093, MONDO:0019353.

Allele frequency attached by ClinVar (database versions not stated): TOPMed 0.00002; gnomAD 0.00003; 1000 Genomes Project 30x 0.00016; 1000 Genomes Project 0.00020; gnomAD exomes below 0.00001 and 0.00002; ExAC 0.00001.
gnomAD v4.1: 28 of 1,614,124 alleles (0.0017%); highest among the groups gnomAD compares: African/African-American, 0.0053%; no homozygotes.

Submissions (6):

PreventionGenetics, part of Exact Sciences
Classification: Uncertain significance for PRPH2-related condition. Last evaluated: 2026-03-20. Review status: criteria provided, single submitter. Criteria: ACMG Guidelines, 2015. Collection method: clinical testing. Allele origin: germline.
Comment: The PRPH2 c.425G>A variant is predicted to result in the amino acid substitution p.Arg142Gln. This variant was reported in individuals with retinal disease, retinitis pigmentosa, or Stargardt disease (supplementary Table 1, Stone et al. 2017. PubMed ID: 28559085; Table S1, Reeves et al. 2020. PubMed ID: 32531846; supplementary data, Peeters et al. 2021. PubMed ID: 34411390). This variant is reported in 0.012% of alleles in individuals of African descent in gnomAD. This variant is located within a hotspot region (a.a. 141-240, also known as the D2 loop) for disease-causing variants (Reeves et al. 2020. PubMedID: 32531846). Another missense variant affecting the same amino acid position, p.Arg142Trp, has been reported many times in the heterozygous state in individuals with autosomal dominant retinal disease (see for examples: Table S1, Stone et al. 2017. PubMed ID: 28559085; Kersten et al. 2018. PubMed ID: 30215852). Although we suspect that this variant may be pathogenic, at this time, the clinical significance of this variant is uncertain due to the absence of conclusive functional and genetic evidence.

Labcorp Genetics (formerly Invitae), Labcorp
Classification: Likely pathogenic for PRPH2-related disorder. Last evaluated: 2025-12-29. Review status: criteria provided, single submitter. Criteria: Invitae Variant Classification Sherloc (09022015). Collection method: clinical testing. Allele origin: germline.
Comment: This sequence change replaces arginine, which is basic and polar, with glutamine, which is neutral and polar, at codon 142 of the PRPH2 protein (p.Arg142Gln). This variant is present in population databases (rs554945964, gnomAD 0.01%). This missense change has been observed in individual(s) with autosomal dominant PRPH2-related conditions (PMID: 28559085, 32531846). ClinVar contains an entry for this variant (Variation ID: 418424). Invitae Evidence Modeling of protein sequence and biophysical properties (such as structural, functional, and spatial information, amino acid conservation, physicochemical variation, residue mobility, and thermodynamic stability) has been performed for this missense variant. However, the output from this modeling did not meet the statistical confidence thresholds required to predict the impact of this variant on PRPH2 protein function. This variant disrupts the p.Arg142 amino acid residue in PRPH2. Other variant(s) that disrupt this residue have been determined to be pathogenic (PMID: 8644804, 19038374, 19243827, 28076437, 28559085). This suggests that this residue is clinically significant, and that variants that disrupt this residue are likely to be disease-causing. In summary, the currently available evidence indicates that the variant is pathogenic, but additional data are needed to prove that conclusively. Therefore, this variant has been classified as Likely Pathogenic.

Blueprint Genetics
Classification: Likely pathogenic for PRPH2-related disorders. Last evaluated: 2022-09-05. Review status: criteria provided, single submitter. Criteria: ACMG Guidelines, 2015. Collection method: clinical testing. Allele origin: germline. Affected: yes. Observed: 2 variant alleles.

GeneDx
Classification: Uncertain significance. Last evaluated: 2020-04-27. Review status: criteria provided, single submitter. Criteria: GeneDx Variant Classification Process June 2021. Collection method: clinical testing. Allele origin: germline. Affected: yes.
Comment: In silico analysis supports that this missense variant does not alter protein structure/function; This variant is associated with the following publications: (PMID: 28559085, 32531846)

NEI Ophthalmic Genomics Laboratory, National Institutes of Health
Classification: Likely pathogenic for Stargardt disease. Last evaluated: 2020-01-07. Review status: criteria provided, single submitter. Criteria: ACMG Guidelines, 2015. Collection method: clinical testing. Allele origin: germline. Affected: yes.
Comment: The variant NM_000322.4:c.425G>A in the PRPH2 gene has been previously studied(PMID 28559085). This variant is listed in dbSNP and/or HGMD (rs554945964; CM1723376). It is present in gnomAD browser (AF 0.00000406). It is not enriched in the PRPH2 disease cohort. We invoked ACMG criteria [PM1, PM2, PM5, PP3, PP5] and classified NM_000322.4:c.425G>A in the PRPH2 gene as a Likely Pathogenic mutation.

Leiden Open Variation Database
Classification: Likely pathogenic. Last evaluated: 2021-04-06. Review status: no assertion criteria provided. Collection method: curation. Allele origin: germline. Affected: yes. Not counted in ClinVar's aggregate classification.
Comment: Curator: Global Variome, with Curator vacancy. Submitters to LOVD: LOVD, Manon Peeters.

Literature cited by the submitters: PubMed 28559085 (cited by Labcorp Genetics (formerly Invitae), Labcorp and Leiden Open Variation Database); PubMed 32531846 (cited by Labcorp Genetics (formerly Invitae), Labcorp and Leiden Open Variation Database); PubMed 8644804 (cited by Labcorp Genetics (formerly Invitae), Labcorp); PubMed 19038374 (cited by Labcorp Genetics (formerly Invitae), Labcorp); PubMed 19243827 (cited by Labcorp Genetics (formerly Invitae), Labcorp); PubMed 28076437 (cited by Labcorp Genetics (formerly Invitae), Labcorp).